The following is an entry in ClinVar:

NM_020297.4(ABCC9):c.2198+6T>C

Gene: ABCC9 (ATP binding cassette subfamily C member 9; minus strand). Cytogenetic location: 12p12.1.
Variant type: single nucleotide variant.
Coding change: c.2198+6T>C on transcript NM_020297.4 (MANE Select); 6 bases into the intron after coding-DNA position 2198, T replaced by C.
Molecular consequence: intron variant.
Genome position (GRCh38, 1-based): chr12:21,872,619, A>G on the plus strand (T>C on the coding strand, the complement: ABCC9 is on the minus strand). VCF-style: chr12-21872619-A-G. GRCh37 (hg19) VCF-style: chr12-22025553-A-G.
Other names: c.1334+6T>C (NM_001377274.1); c.2198+6T>C (NM_005691.4, NM_001377273.1).
Identifiers: ClinVar variation 386536 (VCV000386536.6), dbSNP rs1057522523, ClinGen allele CA16607206.

ClinVar aggregate classification (germline): Uncertain significance. Review status: criteria provided, multiple submitters, no conflicts (2 of 4 stars). 2 submissions from 2 submitters: Uncertain significance (2). Last evaluated 2022-11-22.

Conditions:
Dilated cardiomyopathy 1O (CMD1O). Also called: CARDIOMYOPATHY, DILATED, WITH VENTRICULAR TACHYCARDIA. Identifiers: Orphanet 154, MedGen C1837839, MONDO:0012062, OMIM 608569.

Allele frequency attached by ClinVar (database versions not stated): gnomAD exomes below 0.00001; TOPMed below 0.00001; gnomAD 0.00001.
gnomAD v4.1: 6 of 1,605,928 alleles (0.00037%); highest among the groups gnomAD compares: Non-Finnish European, 0.00051%; no homozygotes.

Submissions (2):

Labcorp Genetics (formerly Invitae), Labcorp
Classification: Uncertain significance for Dilated cardiomyopathy 1O. Last evaluated: 2022-11-22. Review status: criteria provided, single submitter. Criteria: Invitae Variant Classification Sherloc (09022015). Collection method: clinical testing. Allele origin: germline.
Comment: In summary, the available evidence is currently insufficient to determine the role of this variant in disease. Therefore, it has been classified as a Variant of Uncertain Significance. Variants that disrupt the consensus splice site are a relatively common cause of aberrant splicing (PMID: 17576681, 9536098). Algorithms developed to predict the effect of sequence changes on RNA splicing suggest that this variant is not likely to affect RNA splicing. ClinVar contains an entry for this variant (Variation ID: 386536). This variant has not been reported in the literature in individuals affected with ABCC9-related conditions. This variant is present in population databases (no rsID available, gnomAD 0.0009%). This sequence change falls in intron 16 of the ABCC9 gene. It does not directly change the encoded amino acid sequence of the ABCC9 protein. It affects a nucleotide within the consensus splice site.

GeneDx
Classification: Uncertain significance. Last evaluated: 2016-05-23. Review status: criteria provided, single submitter. Criteria: GeneDx Variant Classification (06012015). Collection method: clinical testing. Allele origin: germline. Affected: yes.
Comment: A variant of uncertain significance has been identified in the ABCC9 gene. The c.2198+6 T>C variant has not beenpublished as a pathogenic variant, nor has it been reported as a benign variant to our knowledge. The c.2198+6 T>Cvariant was not observed in approximately 6,500 individuals of European and African American ancestry in theNHLBI Exome Sequencing Project. In silico splice prediction programs predict this variant results in the loss/reducedefficiency of the splice donor site in intron 16 of the ABCC9 gene. However, in the absence of functional mRNAstudies, the physiological consequence of this variant cannot be precisely determined. Moreover, no other splice sitevariants in the ABCC9 gene have been reported in HGMD in association with cardiac abnormalities (Stenson et al.,2014).Therefore, based on the currently available information, it is unclear whether this variant is pathogenic or rare benign.

Literature cited by the submitters: PubMed 17576681 (cited by Labcorp Genetics (formerly Invitae), Labcorp); PubMed 9536098 (cited by Labcorp Genetics (formerly Invitae), Labcorp).